The following is an entry in ClinVar:

ClinVar aggregate classification (germline): Uncertain significance. Review status: criteria provided, multiple submitters, no conflicts (2 of 4 stars). 2 submissions from 2 submitters: Uncertain significance (2). Last evaluated 2025-04-11.

Conditions:
Primary ciliary dyskinesia. Also called: Ciliary dyskinesia. Identifiers: Orphanet 244, MedGen C0008780, MONDO:0016575, HP:0012265.

Allele frequency attached by ClinVar (database versions not stated): gnomAD 0.00001.
gnomAD v4.1: 5 of 1,613,500 alleles (0.00031%); highest among the groups gnomAD compares: African/African-American, 0.004%; no homozygotes.

Submissions (2):

Ambry Genetics
Classification: Uncertain significance for Primary ciliary dyskinesia. Last evaluated: 2025-04-11. Review status: criteria provided, single submitter. Criteria: Ambry Variant Classification Scheme 2023. Collection method: clinical testing. Allele origin: germline.

Labcorp Genetics (formerly Invitae), Labcorp
Classification: Uncertain significance for Primary ciliary dyskinesia. Last evaluated: 2024-02-24. Review status: criteria provided, single submitter. Criteria: Invitae Variant Classification Sherloc (09022015). Collection method: clinical testing. Allele origin: germline.
Comment: This sequence change replaces proline, which is neutral and non-polar, with alanine, which is neutral and non-polar, at codon 1187 of the DNAH5 protein (p.Pro1187Ala). This variant is not present in population databases (gnomAD no frequency). This variant has not been reported in the literature in individuals affected with DNAH5-related conditions. ClinVar contains an entry for this variant (Variation ID: 1732662). Advanced modeling of protein sequence and biophysical properties (such as structural, functional, and spatial information, amino acid conservation, physicochemical variation, residue mobility, and thermodynamic stability) performed at Invitae indicates that this missense variant is not expected to disrupt DNAH5 protein function with a negative predictive value of 95%. In summary, the available evidence is currently insufficient to determine the role of this variant in disease. Therefore, it has been classified as a Variant of Uncertain Significance.

NM_001369.3(DNAH5):c.3559C>G (p.Pro1187Ala)

Genes: DNAH5 (dynein axonemal heavy chain 5; minus strand), DNAH5-AS1 (DNAH5 antisense RNA 1; plus strand). Cytogenetic location: 5p15.2.
Variant type: single nucleotide variant.
Coding change: c.3559C>G on transcript NM_001369.3 (MANE Select); coding-DNA position 3559, C replaced by G.
Protein change: p.Pro1187Ala; replaces proline 1187 with alanine.
Molecular consequence: missense variant.
Genome position (GRCh38, 1-based): chr5:13,871,603, G>C on the plus strand (C>G on the coding strand, the complement: DNAH5 is on the minus strand). VCF-style: chr5-13871603-G-C. GRCh37 (hg19) VCF-style: chr5-13871712-G-C.
Other names: short protein forms P1187A.
Identifiers: ClinVar variation 1732662 (VCV001732662.8), dbSNP rs753687076, ClinGen allele CA359232711.